The following is an entry in ClinVar:

ClinVar aggregate classification (germline): Likely pathogenic (1 of 4 stars; one submission).

gnomAD v4.1: 3 of 1,613,418 alleles (0.00019%); highest among the groups gnomAD compares: Non-Finnish European, 0.00025%; no homozygotes.

Submission:

Labcorp Genetics (formerly Invitae), Labcorp
Classification: Likely pathogenic. Last evaluated: 2025-12-30. Review status: criteria provided, single submitter. Criteria: Invitae Variant Classification Sherloc (09022015). Collection method: clinical testing. Allele origin: germline.
Comment: This sequence change affects an acceptor splice site in intron 2 of the TSEN2 gene. It is expected to disrupt RNA splicing. Variants that disrupt the donor or acceptor splice site typically lead to a loss of protein function (PMID: 16199547), and loss-of-function variants in TSEN2 are known to be pathogenic (PMID: 20952379, 38438125). This variant is not present in population databases (gnomAD no frequency). This variant has not been reported in the literature in individuals affected with TSEN2-related conditions. Algorithms developed to predict the effect of sequence changes on RNA splicing suggest that this variant may disrupt the consensus splice site. In summary, the currently available evidence indicates that the variant is pathogenic, but additional data are needed to prove that conclusively. Therefore, this variant has been classified as Likely Pathogenic.

Literature cited by the submitters: PubMed 16199547; PubMed 20952379; PubMed 38438125.

NM_025265.4(TSEN2):c.190-2A>G

Gene: TSEN2 (tRNA splicing endonuclease subunit 2; plus strand). Cytogenetic location: 3p25.2.
Variant type: single nucleotide variant.
Coding change: c.190-2A>G on transcript NM_025265.4 (MANE Select); the canonical splice acceptor site of the intron before coding-DNA position 190, A replaced by G.
Molecular consequence: splice acceptor variant.
Genome position (GRCh38, 1-based): chr3:12,492,134, A>G. VCF-style: chr3-12492134-A-G. GRCh37 (hg19) VCF-style: chr3-12533633-A-G.
Other names: c.190-2A>G (NM_001321278.2, NM_001321279.2, NM_001145392.2 and 3 more transcripts).
Identifiers: ClinVar variation 4811660 (VCV004811660.1).